The following is an entry in ClinVar:

NM_001374828.1(ARID1B):c.4352_4353del (p.Gln1451fs)

Gene: ARID1B (AT-rich interaction domain 1B; plus strand). Cytogenetic location: 6q25.3.
Variant type: Deletion.
Coding change: c.4352_4353del on transcript NM_001374828.1 (MANE Select); coding-DNA positions 4352 to 4353, 2 bases deleted (AG; older notation c.4352_4353delAG).
Protein change: p.Gln1451fs; shifts the reading frame from glutamine 1451.
Molecular consequence: frameshift variant.
Genome position (GRCh38, 1-based): chr6:157,196,285-157,196,286, AG deleted. VCF-style (leftmost placement, unchanged base first): chr6-157196284-CAG-C. GRCh37 (hg19) VCF-style: chr6-157517418-CAG-C.
Other names: c.3983_3984delAG (NM_020732.3); c.1853_1854del, p.Gln618fs (NM_001363725.2); c.4232_4233del, p.Gln1411fs (NM_001371656.1, NM_001374820.1); c.4193_4194del, p.Gln1398fs (NM_017519.3); short protein forms Q1398fs, Q1411fs, Q1451fs, Q618fs.
Identifiers: ClinVar variation 1196653 (VCV001196653.2), dbSNP rs2128357301, ClinGen allele CA2499218162.

ClinVar aggregate classification (germline): Pathogenic (1 of 4 stars; one submission).

Submission:

GeneDx
Classification: Pathogenic. Last evaluated: 2019-10-30. Review status: criteria provided, single submitter. Criteria: GeneDx Variant Classification Process June 2021. Collection method: clinical testing. Allele origin: germline. Affected: yes.
Comment: Frameshift variant predicted to result in protein truncation or nonsense mediated decay in a gene for which loss-of-function is a known mechanism of disease; Not observed in large population cohorts (Lek et al., 2016); Has not been previously published as pathogenic or benign to our knowledge